The following is an entry in ClinVar:

NM_013432.5(TONSL):c.2076T>C (p.Ser692=)

Genes: TONSL (tonsoku like, DNA repair protein; minus strand), TONSL-AS1 (TONSL antisense RNA 1; plus strand). Cytogenetic location: 8q24.3.
Variant type: single nucleotide variant.
Coding change: c.2076T>C on transcript NM_013432.5 (MANE Select); coding-DNA position 2076, T replaced by C.
Protein change: p.Ser692=; no amino-acid change (serine 692 retained).
Molecular consequence: synonymous variant.
Genome position (GRCh38, 1-based): chr8:144,436,357, A>G on the plus strand (T>C on the coding strand, the complement: TONSL is on the minus strand). VCF-style: chr8-144436357-A-G. GRCh37 (hg19) VCF-style: chr8-145661740-A-G.
Other names: c.2076T>C (NM_013432.4).
Identifiers: ClinVar variation 1134055 (VCV001134055.18), dbSNP rs150695893, ClinGen allele CA4942922.
Genomic context (GRCh38, chr8:144,436,357, plus strand): 5'-AGAGGCCTCTGGGAGTCTAGTGCTATTAGAGGGGGGTTCTGGGCAGGGGCTCAAAGGAGG[A>G]GAGGTCTCGGGGTCAAACAGAAGGCTGCTTGGGGTGTGGAAGGCCTGGGAGCTGTGGGGA-3'
Protein context (NP_038460.4, residues 682-702): PSSLLFDPET[Ser692=]PPLSPCPEPP

ClinVar aggregate classification (germline): Likely benign. Review status: criteria provided, multiple submitters, no conflicts (2 of 4 stars). 4 submissions from 4 submitters: Likely benign (3). 1 of the submissions does not count toward it. Last evaluated 2026-01-27.

Conditions:
TONSL-related disorder. Also called: TONSL-related condition.

Allele frequency attached by ClinVar (database versions not stated): 1000 Genomes Project 0.00020; 1000 Genomes Project 30x 0.00031; ESP Exome Variant Server 0.00031; TOPMed 0.00043; gnomAD 0.00058 and 0.00060; gnomAD exomes 0.00074 and 0.00085; ExAC 0.00096.
gnomAD v4.1: 1,233 of 1,502,472 alleles (0.082%); highest among the groups gnomAD compares: Non-Finnish European, 0.099%; 1 homozygote.

Submissions (4):

Labcorp Genetics (formerly Invitae), Labcorp
Classification: Likely benign. Last evaluated: 2026-01-27. Review status: criteria provided, single submitter. Criteria: Invitae Variant Classification Sherloc (09022015). Collection method: clinical testing. Allele origin: germline.

CeGaT Center for Human Genetics Tuebingen
Classification: Likely benign. Last evaluated: 2025-07-01. Review status: criteria provided, single submitter. Criteria: CeGaT Center For Human Genetics Tuebingen Variant Classification Criteria Version 2. Collection method: clinical testing. Allele origin: germline. Affected: yes. Observed: 1 variant allele.
Comment: TONSL: BP4, BP7

Blueprint Genetics
Classification: Likely benign. Last evaluated: 2024-11-14. Review status: criteria provided, single submitter. Criteria: ACMG Guidelines, 2015. Collection method: clinical testing. Allele origin: germline.

PreventionGenetics, part of Exact Sciences
Classification: Likely benign for TONSL-related condition. Last evaluated: 2019-12-09. Review status: no assertion criteria provided. Collection method: clinical testing. Allele origin: germline. Not counted in ClinVar's aggregate classification.
Comment: This variant is classified as likely benign based on ACMG/AMP sequence variant interpretation guidelines (Richards et al. 2015 PMID: 25741868, with internal and published modifications).